The following is an entry in ClinVar:

ClinVar aggregate classification (germline): Uncertain significance. Review status: criteria provided, multiple submitters, no conflicts (2 of 4 stars). 4 submissions from 4 submitters: Uncertain significance (4). Last evaluated 2026-06-18.

Conditions:
Hereditary cancer-predisposing syndrome. Also called: Neoplastic Syndromes, Hereditary; Hereditary Cancer Syndrome; Tumor predisposition; Hereditary neoplastic syndrome. Identifiers: Orphanet 140162, MedGen C0027672, MeSH D009386, MONDO:0015356.
BAP1-related tumor predisposition syndrome (TPDS1). Also called: BAP1 tumor predisposition syndrome; COMMON Syndrome; TUMOR PREDISPOSITION SYNDROME 1; Tumor susceptibility linked to germline BAP1 mutations. Identifiers: Orphanet 289539, MedGen C3280492, MONDO:0013692, OMIM 614327.

Submissions (4):

Ambry Genetics
Classification: Uncertain significance for Hereditary cancer-predisposing syndrome. Last evaluated: 2026-06-18. Review status: criteria provided, single submitter. Criteria: Ambry Variant Classification Scheme 2023. Collection method: clinical testing. Allele origin: germline.
Comment: The p.D664G variant (also known as c.1991A>G), located in coding exon 16 of the BAP1 gene, results from an A to G substitution at nucleotide position 1991. The aspartic acid at codon 664 is replaced by glycine, an amino acid with similar properties. This amino acid position is conserved. In addition, this alteration is predicted to be deleterious by in silico analysis. Based on the available evidence, the clinical significance of this variant remains unclear.

Labcorp Genetics (formerly Invitae), Labcorp
Classification: Uncertain significance for BAP1-related tumor predisposition syndrome. Last evaluated: 2024-08-01. Review status: criteria provided, single submitter. Criteria: Invitae Variant Classification Sherloc (09022015). Collection method: clinical testing. Allele origin: germline.
Comment: This sequence change replaces aspartic acid, which is acidic and polar, with glycine, which is neutral and non-polar, at codon 664 of the BAP1 protein (p.Asp664Gly). This variant is not present in population databases (gnomAD no frequency). This variant has not been reported in the literature in individuals affected with BAP1-related conditions. ClinVar contains an entry for this variant (Variation ID: 925620). Advanced modeling of protein sequence and biophysical properties (such as structural, functional, and spatial information, amino acid conservation, physicochemical variation, residue mobility, and thermodynamic stability) performed at Invitae indicates that this missense variant is expected to disrupt BAP1 protein function with a positive predictive value of 80%. In summary, the available evidence is currently insufficient to determine the role of this variant in disease. Therefore, it has been classified as a Variant of Uncertain Significance.

GeneDx
Classification: Uncertain significance. Last evaluated: 2024-06-02. Review status: criteria provided, single submitter. Criteria: GeneDx Variant Classification Process June 2021. Collection method: clinical testing. Allele origin: germline. Affected: yes.
Comment: Not observed at significant frequency in large population cohorts (gnomAD); In silico analysis supports that this missense variant has a deleterious effect on protein structure/function; Has not been previously published as pathogenic or benign to our knowledge

Color Diagnostics, LLC DBA Color Health
Classification: Uncertain significance for Hereditary cancer-predisposing syndrome. Last evaluated: 2023-12-04. Review status: criteria provided, single submitter. Criteria: ACMG Guidelines, 2015. Collection method: clinical testing. Allele origin: germline.
Comment: This missense variant replaces aspartic acid with glycine at codon 664 of the BAP1 protein. Computational prediction suggests that this variant may not impact protein structure and function (internally defined REVEL score threshold <= 0.5, PMID: 27666373). To our knowledge, functional studies have not been reported for this variant. This variant has not been reported in individuals affected with BAP1-related disorders in the literature. This variant has not been identified in the general population by the Genome Aggregation Database (gnomAD). The available evidence is insufficient to determine the role of this variant in disease conclusively. Therefore, this variant is classified as a Variant of Uncertain Significance.

NM_004656.4(BAP1):c.1991A>G (p.Asp664Gly)

Gene: BAP1 (BRCA1 associated deubiquitinase 1; minus strand). Cytogenetic location: 3p21.1.
Variant type: single nucleotide variant.
Coding change: c.1991A>G on transcript NM_004656.4 (MANE Select); coding-DNA position 1991, A replaced by G.
Protein change: p.Asp664Gly; replaces aspartic acid 664 with glycine.
Molecular consequence: missense variant.
Genome position (GRCh38, 1-based): chr3:52,402,667, T>C on the plus strand (A>G on the coding strand, the complement: BAP1 is on the minus strand). VCF-style: chr3-52402667-T-C. GRCh37 (hg19) VCF-style: chr3-52436683-T-C.
Other names: c.1991A>G (NM_004656.2); short protein forms D664G.
Identifiers: ClinVar variation 925620 (VCV000925620.9), dbSNP rs1705000843, ClinGen allele CA353096372.